The following is an entry in ClinVar:

ClinVar aggregate classification (germline): Uncertain significance. Review status: criteria provided, single submitter (1 of 4 stars). 2 submissions from 2 submitters: Uncertain significance (1). 1 of the submissions does not count toward it. Last evaluated 2022-02-02.

Conditions:
Pierpont syndrome (PRPTS). Identifiers: Orphanet 487825, MedGen C1865644, MONDO:0011213, OMIM 602342.

Submissions (2):

Labcorp Genetics (formerly Invitae), Labcorp
Classification: Uncertain significance for Pierpont syndrome. Last evaluated: 2022-02-02. Review status: criteria provided, single submitter. Criteria: Invitae Variant Classification Sherloc (09022015). Collection method: clinical testing. Allele origin: germline.
Comment: In summary, the available evidence is currently insufficient to determine the role of this variant in disease. Therefore, it has been classified as a Variant of Uncertain Significance. Advanced modeling of protein sequence and biophysical properties (such as structural, functional, and spatial information, amino acid conservation, physicochemical variation, residue mobility, and thermodynamic stability) performed at Invitae indicates that this missense variant is expected to disrupt TBL1XR1 protein function. This variant has not been reported in the literature in individuals affected with TBL1XR1-related conditions. This variant is not present in population databases (gnomAD no frequency). This sequence change replaces serine, which is neutral and polar, with phenylalanine, which is neutral and non-polar, at codon 366 of the TBL1XR1 protein (p.Ser366Phe).

School of Pediatrics, Henan University of Chinese Medicine
Classification: Pathogenic for Pierpont syndrome. Review status: no assertion criteria provided. Collection method: clinical testing. Allele origin: de novo. Inheritance: Autosomal dominant inheritance. Affected: yes. Not counted in ClinVar's aggregate classification.

NM_024665.7(TBL1XR1):c.1097C>T (p.Ser366Phe)

Genes: TBL1XR1 (TBL1X/Y related 1; minus strand), TBL1XR1-AS1 (TBL1XR1 antisense RNA 1; plus strand), LOC126806878 (CDK7 strongly-dependent group 2 enhancer GRCh37_chr3:176755168-176756367; plus strand). Cytogenetic location: 3q26.32.
Variant type: single nucleotide variant.
Coding change: c.1097C>T on transcript NM_024665.7 (MANE Select); coding-DNA position 1097, C replaced by T.
Protein change: p.Ser366Phe; replaces serine 366 with phenylalanine.
Molecular consequence: missense variant.
Genome position (GRCh38, 1-based): chr3:177,038,123, G>A on the plus strand (C>T on the coding strand, the complement: TBL1XR1 is on the minus strand). VCF-style: chr3-177038123-G-A. GRCh37 (hg19) VCF-style: chr3-176755911-G-A.
Other names: c.1097C>T, p.Ser366Phe (NM_001321193.3, NM_001321194.3, NM_001374327.1 and 2 more transcripts); c.836C>T, p.Ser279Phe (NM_001321195.3, NM_001374330.1); short protein forms S279F, S366F.
Identifiers: ClinVar variation 1362446 (VCV001362446.9), dbSNP rs2108436373, ClinGen allele CA355555002.
Genomic context (GRCh38, chr3:177,038,123, plus strand): 5'-ACCGCCAACCCATTTCTCCCTACTAAGCAAATTACCTTTAAAGTCATGTCGTCAGAACAG[G>A]AGGCCAAGAGATTGCCAGTTGGGTCCCATTTGATAGCATTTACTTCATTCTAAAAATAAT-3'
Protein context (NP_078941.2, residues 356-376): KWDPTGNLLA[Ser366Phe]CSDDMTLKIW